The following is an entry in ClinVar:

ClinVar aggregate classification (germline): Benign (1 of 4 stars; one submission).

Conditions:
Polydactyly of a triphalangeal thumb. Also called: Polydactyly, preaxial type II; POLYDACTYLY OF TRIPHALANGEAL THUMB; TRIPHALANGEAL THUMB-POLYDACTYLY SYNDROME. Identifiers: Orphanet 2439, Orphanet 2950, Orphanet 93336, MedGen C1868114, MONDO:0008270, OMIM 174500.

Allele frequency attached by ClinVar (database versions not stated): gnomAD 0.00001; gnomAD exomes 0.00001 and 0.00002; ExAC 0.00002; TOPMed 0.00002.
gnomAD v4.1: 29 of 1,599,070 alleles (0.0018%); highest among the groups gnomAD compares: South Asian, 0.0057%; no homozygotes.

Submission:

Illumina Laboratory Services, Illumina
Classification: Benign for Polydactyly of a triphalangeal thumb. Last evaluated: 2018-01-13. Review status: criteria provided, single submitter. Criteria: ICSL Variant Classification Criteria 13 December 2019. Collection method: clinical testing. Allele origin: germline.
Comment: This variant was observed in the ICSL laboratory as part of a predisposition screen in an ostensibly healthy population. It had not been previously curated by ICSL or reported in the Human Gene Mutation Database (HGMD: prior to June 1st, 2018), and was therefore a candidate for classification through an automated scoring system. Utilizing variant allele frequency, disease prevalence and penetrance estimates, and inheritance mode, an automated score was calculated to assess if this variant is too frequent to cause the disease. Based on the score and internal cut-off values, a variant classified as benign is not then subjected to further curation. The score for this variant resulted in a classification of benign for this disease.

NM_022458.4(LMBR1):c.165C>T (p.Ile55=)

Gene: LMBR1 (limb development membrane protein 1; minus strand). Cytogenetic location: 7q36.3.
Variant type: single nucleotide variant.
Coding change: c.165C>T on transcript NM_022458.4 (MANE Select); coding-DNA position 165, C replaced by T.
Protein change: p.Ile55=; no amino-acid change (isoleucine 55 retained).
Molecular consequence: synonymous variant. On other transcripts: missense variant (1), 5 prime UTR variant (6), non-coding transcript variant (2).
Genome position (GRCh38, 1-based): chr7:156,833,767, G>A on the plus strand (C>T on the coding strand, the complement: LMBR1 is on the minus strand). VCF-style: chr7-156833767-G-A. GRCh37 (hg19) VCF-style: chr7-156626461-G-A.
Other names: c.165C>T, p.Ile55= (NM_001350953.2, NM_001363409.2, NM_001363410.2); c.26C>T, p.Ser9Leu (NM_001350954.2); c.-370C>T (NM_001350955.2, NM_001350956.2, NM_001350958.2 and 1 more transcripts); c.-205C>T (NM_001350957.2, NM_001363411.2); c.102C>T, p.Ile34= (NM_001363412.2); short protein forms S9L.
Identifiers: ClinVar variation 911447 (VCV000911447.4), dbSNP rs752415935, ClinGen allele CA4588202.